The following is an entry in ClinVar:

ClinVar aggregate classification (germline): Uncertain significance (1 of 4 stars; one submission).

Conditions:
Wilson disease (WND). Also called: Wilson's disease. Identifiers: Orphanet 905, MedGen C0019202, MONDO:0010200, OMIM 277900. Disease mechanism: loss of function.

Submission:

All of Us Research Program, National Institutes of Health
Classification: Uncertain significance for Wilson disease. Last evaluated: 2023-11-02. Review status: criteria provided, single submitter. Criteria: ACMG Guidelines, 2015. Collection method: clinical testing. Allele origin: germline. Inheritance: Autosomal recessive inheritance. Observed: 1 variant allele, 1 heterozygote.
Comment: This missense variant replaces aspartic acid with glycine at codon 1380 of the ATP7B protein. Computational prediction suggests that this variant may not impact protein structure and function (internally defined REVEL score threshold <= 0.5, PMID: 27666373). To our knowledge, functional studies have not been reported for this variant. This variant has not been reported in individuals affected with ATP7B-related disorders in the literature. This variant has not been identified in the general population by the Genome Aggregation Database (gnomAD). The available evidence is insufficient to determine the role of this variant in disease conclusively. Therefore, this variant is classified as a Variant of Uncertain Significance.

This study involves interpretation of variants in research participants for the purpose of population health screening. Participant phenotype was not available at the time of variant classification. Additional details can be found in publication PMID: 35346344, PMCID: PMC8962531

NM_000053.4(ATP7B):c.4139A>G (p.Asp1380Gly)

Gene: ATP7B (ATPase copper transporting beta; minus strand). Cytogenetic location: 13q14.3.
Variant type: single nucleotide variant.
Coding change: c.4139A>G on transcript NM_000053.4 (MANE Select); coding-DNA position 4139, A replaced by G.
Protein change: p.Asp1380Gly; replaces aspartic acid 1380 with glycine.
Molecular consequence: missense variant.
Genome position (GRCh38, 1-based): chr13:51,935,015, T>C on the plus strand (A>G on the coding strand, the complement: ATP7B is on the minus strand). VCF-style: chr13-51935015-T-C. GRCh37 (hg19) VCF-style: chr13-52509151-T-C.
Other names: c.3518A>G, p.Asp1173Gly (NM_001005918.3); c.3806A>G, p.Asp1269Gly (NM_001243182.2); c.3905A>G, p.Asp1302Gly (NM_001330578.2, NM_001406527.1, NM_001406528.1); c.3887A>G, p.Asp1296Gly (NM_001330579.2, NM_001406531.1, NM_001406532.1); c.4139A>G, p.Asp1380Gly (NM_001406511.1, NM_001406512.1); c.4133A>G, p.Asp1378Gly (NM_001406513.1); c.4106A>G, p.Asp1369Gly (NM_001406514.1); c.4085A>G, p.Asp1362Gly (NM_001406515.1, NM_001406516.1); and 21 more; short protein forms D1099G, D1153G, D1164G, D1173G, D1186G, D1216G, D1218G, D1231G.
Identifiers: ClinVar variation 3074346 (VCV003074346.1), dbSNP rs2547543978, ClinGen allele CA388019807.